The following is an entry in ClinVar:

ClinVar aggregate classification (germline): Uncertain significance. Review status: criteria provided, multiple submitters, no conflicts (2 of 4 stars). 2 submissions from 2 submitters: Uncertain significance (2). Last evaluated 2023-11-13.

Conditions:
Mucopolysaccharidosis type 1. Also called: Mucopolysaccharidosis Type I; IDUA deficiency; MPS I. Identifiers: Orphanet 579, MedGen C0023786, MONDO:0001586.

gnomAD v4.1: 3 of 1,582,056 alleles (0.00019%); highest among the groups gnomAD compares: Middle Eastern, 0.017%; no homozygotes.

Submissions (2):

Revvity Omics, Revvity
Classification: Uncertain significance. Last evaluated: 2023-11-13. Review status: criteria provided, single submitter. Criteria: ACMG Guidelines, 2015. Collection method: clinical testing. Allele origin: germline.

Labcorp Genetics (formerly Invitae), Labcorp
Classification: Uncertain significance for Mucopolysaccharidosis type 1. Last evaluated: 2023-11-01. Review status: criteria provided, single submitter. Criteria: Invitae Variant Classification Sherloc (09022015). Collection method: clinical testing. Allele origin: germline.
Comment: This sequence change replaces aspartic acid, which is acidic and polar, with glutamic acid, which is acidic and polar, at codon 298 of the IDUA protein (p.Asp298Glu). This variant is present in population databases (no rsID available, gnomAD 0.004%). This variant has not been reported in the literature in individuals affected with IDUA-related conditions. Advanced modeling of protein sequence and biophysical properties (such as structural, functional, and spatial information, amino acid conservation, physicochemical variation, residue mobility, and thermodynamic stability) has been performed at Invitae for this missense variant, however the output from this modeling did not meet the statistical confidence thresholds required to predict the impact of this variant on IDUA protein function. In summary, the available evidence is currently insufficient to determine the role of this variant in disease. Therefore, it has been classified as a Variant of Uncertain Significance.

NM_000203.5(IDUA):c.894C>A (p.Asp298Glu)

Gene: IDUA (alpha-L-iduronidase; plus strand). Cytogenetic location: 4p16.3.
Variant type: single nucleotide variant.
Coding change: c.894C>A on transcript NM_000203.5 (MANE Select); coding-DNA position 894, C replaced by A.
Protein change: p.Asp298Glu; replaces aspartic acid 298 with glutamic acid.
Molecular consequence: missense variant. On other transcripts: non-coding transcript variant (1).
Genome position (GRCh38, 1-based): chr4:1,002,083, C>A. VCF-style: chr4-1002083-C-A. GRCh37 (hg19) VCF-style: chr4-995871-C-A.
Other names: c.498C>A, p.Asp166Glu (NM_001363576.1); short protein forms D166E, D298E.
Identifiers: ClinVar variation 2689233 (VCV002689233.5), dbSNP rs1031564096, ClinGen allele CA355962507.
Genomic context (GRCh38, chr4:1,002,083, plus strand): 5'-CGTCGCGCAGCAGATCCGGCAGCTCTTCCCCAAGTTCGCGGACACCCCCATTTACAACGA[C>A]GAGGCGGACCCGCTGGTGGGCTGGTCCCTGCCACAGCCGTGGAGGGCGGACGTGACCTAC-3'
Protein context (NP_000194.2, residues 288-308): PKFADTPIYN[Asp298Glu]EADPLVGWSL